The following is an entry in ClinVar:

NM_001378778.1(MPDZ):c.3109A>G (p.Ile1037Val)

Gene: MPDZ (multiple PDZ domain crumbs cell polarity complex component; minus strand). Cytogenetic location: 9p23.
Variant type: single nucleotide variant.
Coding change: c.3109A>G on transcript NM_001378778.1 (MANE Select); coding-DNA position 3109, A replaced by G.
Protein change: p.Ile1037Val; replaces isoleucine 1037 with valine.
Molecular consequence: missense variant.
Genome position (GRCh38, 1-based): chr9:13,168,511, T>C on the plus strand (A>G on the coding strand, the complement: MPDZ is on the minus strand). VCF-style: chr9-13168511-T-C. GRCh37 (hg19) VCF-style: chr9-13168510-T-C.
Other names: c.3109A>G, p.Ile1037Val (NM_001261406.2, NM_001261407.2, NM_001330637.2 and 14 more transcripts); short protein forms I1037V.
Identifiers: ClinVar variation 1522170 (VCV001522170.8), dbSNP rs201085815, ClinGen allele CA4987253.

ClinVar aggregate classification (germline): Uncertain significance (1 of 4 stars; one submission).

Allele frequency attached by ClinVar (database versions not stated): gnomAD exomes below 0.00001; ExAC 0.00001; gnomAD 0.00001; 1000 Genomes Project 30x 0.00016; 1000 Genomes Project 0.00020.
gnomAD v4.1: 3 of 1,613,294 alleles (0.00019%); highest among the groups gnomAD compares: African/African-American, 0.004%; no homozygotes.

Submission:

Labcorp Genetics (formerly Invitae), Labcorp
Classification: Uncertain significance. Last evaluated: 2025-01-27. Review status: criteria provided, single submitter. Criteria: Invitae Variant Classification Sherloc (09022015). Collection method: clinical testing. Allele origin: germline.
Comment: This sequence change replaces isoleucine, which is neutral and non-polar, with valine, which is neutral and non-polar, at codon 1037 of the MPDZ protein (p.Ile1037Val). This variant is present in population databases (rs201085815, gnomAD 0.007%). This variant has not been reported in the literature in individuals affected with MPDZ-related conditions. ClinVar contains an entry for this variant (Variation ID: 1522170). An algorithm developed to predict the effect of missense changes on protein structure and function (PolyPhen-2) suggests that this variant is likely to be disruptive. In summary, the available evidence is currently insufficient to determine the role of this variant in disease. Therefore, it has been classified as a Variant of Uncertain Significance.